The following is an entry in ClinVar:

ClinVar aggregate classification (germline): Likely benign. Review status: criteria provided, multiple submitters, no conflicts (2 of 4 stars). 2 submissions from 2 submitters: Likely benign (2). Last evaluated 2024-06-27.

Allele frequency attached by ClinVar (database versions not stated): gnomAD exomes 0.00021; ExAC 0.00047; 1000 Genomes Project 0.00140; 1000 Genomes Project 30x 0.00141; gnomAD 0.00147; TOPMed 0.00173; ESP Exome Variant Server 0.00177.
gnomAD v4.1: 551 of 1,612,916 alleles (0.034%); highest among the groups gnomAD compares: African/African-American, 0.51%; 5 homozygotes.

Submissions (2):

Blueprint Genetics
Classification: Likely benign. Last evaluated: 2024-06-27. Review status: criteria provided, single submitter. Criteria: ACMG Guidelines, 2015. Collection method: clinical testing. Allele origin: germline.

Women's Health and Genetics/Laboratory Corporation of America, LabCorp
Classification: Likely benign. Last evaluated: 2024-04-18. Review status: criteria provided, single submitter. Criteria: LabCorp Variant Classification Summary - May 2015. Collection method: clinical testing. Allele origin: germline.
Comment: Variant summary: VWF c.532+17T>C alters a non-conserved nucleotide located at a position not widely known to affect splicing. Consensus agreement among computation tools predict no significant impact on normal splicing. However, these predictions have yet to be confirmed by functional studies. The variant allele was found at a frequency of 0.00039 in 250706 control chromosomes in the gnomAD database, including 1 homozygote. To our knowledge, no occurrence of c.532+17T>C in individuals affected with Von Willebrand Disease and no experimental evidence demonstrating its impact on protein function have been reported. No submitters have cited clinical-significance assessments for this variant to ClinVar. Based on the evidence outlined above, the variant was classified as likely benign.

NM_000552.5(VWF):c.532+17T>C

Gene: VWF (von Willebrand factor; minus strand). Cytogenetic location: 12p13.31.
Variant type: single nucleotide variant.
Coding change: c.532+17T>C on transcript NM_000552.5 (MANE Select); 17 bases into the intron after coding-DNA position 532, T replaced by C.
Molecular consequence: intron variant.
Genome position (GRCh38, 1-based): chr12:6,110,357, A>G on the plus strand (T>C on the coding strand, the complement: VWF is on the minus strand). VCF-style: chr12-6110357-A-G. GRCh37 (hg19) VCF-style: chr12-6219523-A-G.
Identifiers: ClinVar variation 3251859 (VCV003251859.2), dbSNP rs114404109.
Genomic context (GRCh38, chr12:6,110,357, plus strand): 5'-TGTTAGTGAAGGTTTATGAGCAAGGAAATAAAAAGCATGGCCACACTTTAGGGAAATGGT[A>G]TCCCAGAACATCTTACCTTCTTGGGTCATAAAGTCATCTTCAGCAAAGATGTTAAAGTTG-3'